The following is an entry in ClinVar:

ClinVar aggregate classification (germline): Likely benign (1 of 4 stars; one submission).

Conditions:
TULP3-related condition.

gnomAD v4.1: 30 of 1,551,618 alleles (0.0019%); highest among the groups gnomAD compares: Non-Finnish European, 0.0024%; no homozygotes.

Submission:

PreventionGenetics, part of Exact Sciences
Classification: Likely benign for TULP3-related condition. Last evaluated: 2026-05-22. Review status: criteria provided, single submitter. Criteria: ACMG Guidelines, 2015. Collection method: clinical testing. Allele origin: germline.
Comment: This variant is classified as likely benign based on ACMG/AMP sequence variant interpretation guidelines (Richards et al. 2015 PMID: 25741868, with internal and published modifications).

NM_003324.5(TULP3):c.*1144A>G

Gene: TULP3 (TUB like protein 3; plus strand). Cytogenetic location: 12p13.33.
Variant type: single nucleotide variant.
Coding change: c.*1144A>G on transcript NM_003324.5 (MANE Select); 1144 bases downstream of the stop codon, A replaced by G.
Molecular consequence: 3 prime UTR variant. On other transcripts: synonymous variant (1).
Genome position (GRCh38, 1-based): chr12:2,940,588, A>G. VCF-style: chr12-2940588-A-G. GRCh37 (hg19) VCF-style: chr12-3049754-A-G.
Other names: c.1368A>G, p.Ser456= (NM_001160408.2).
Identifiers: ClinVar variation 4979526 (VCV004979526.1).